The following is an entry in ClinVar:

NM_001004334.4(GPR179):c.5267_5268del (p.Pro1756fs)

Gene: GPR179 (G protein-coupled receptor 179; minus strand). Cytogenetic location: 17q12.
Variant type: Deletion.
Coding change: c.5267_5268del on transcript NM_001004334.4 (MANE Select); coding-DNA positions 5267 to 5268, 2 bases deleted (CA; older notation c.5267_5268delCA).
Protein change: p.Pro1756fs; shifts the reading frame from proline 1756.
Molecular consequence: frameshift variant.
Genome position (GRCh38, 1-based): chr17:38,328,301-38,328,302, TG deleted on the plus strand (CA on the coding strand, the reverse complement: GPR179 is on the minus strand). VCF-style (leftmost placement, unchanged base first): chr17-38328300-CTG-C. GRCh37 (hg19) VCF-style: chr17-36484183-CTG-C.
Other names: short protein forms P1756fs.
Identifiers: ClinVar variation 1040978 (VCV001040978.5), dbSNP rs1567722514, ClinGen allele CA919836603.

ClinVar aggregate classification (germline): Uncertain significance (1 of 4 stars; one submission).

Allele frequency attached by ClinVar (database versions not stated): gnomAD exomes below 0.00001 and 0.00001; TOPMed 0.00001.

Submission:

Labcorp Genetics (formerly Invitae), Labcorp
Classification: Uncertain significance. Last evaluated: 2020-10-09. Review status: criteria provided, single submitter. Criteria: Invitae Variant Classification Sherloc (09022015). Collection method: clinical testing. Allele origin: germline.
Comment: This variant is not present in population databases (ExAC no frequency). This sequence change results in a premature translational stop signal in the GPR179 gene (p.Pro1756Argfs*26). While this is not anticipated to result in nonsense mediated decay, it is expected to disrupt the last 612 amino acid(s) of the GPR179 protein. This variant has not been reported in the literature in individuals with GPR179-related conditions. Experimental studies and prediction algorithms are not available or were not evaluated, and the functional significance of this variant is currently unknown. In summary, the available evidence is currently insufficient to determine the role of this variant in disease. Therefore, it has been classified as a Variant of Uncertain Significance.